The following is an entry in ClinVar:

ClinVar aggregate classification (germline): Uncertain significance. Review status: criteria provided, multiple submitters, no conflicts (2 of 4 stars). 2 submissions from 2 submitters: Uncertain significance (2). Last evaluated 2025-10-02.

Conditions:
Cranioectodermal dysplasia 1 (CED1). Also called: LEVIN SYNDROME I. Identifiers: Orphanet 1515, MedGen C0432235, MONDO:0021093, OMIM 218330.
Inborn genetic diseases. Identifiers: MedGen C0950123, MeSH D030342.

gnomAD v4.1: 3 of 1,585,320 alleles (0.00019%); highest among the groups gnomAD compares: Non-Finnish European, 0.00026%; no homozygotes.

Submissions (2):

Ambry Genetics
Classification: Uncertain significance for Inborn genetic diseases. Last evaluated: 2025-10-02. Review status: criteria provided, single submitter. Criteria: Ambry Variant Classification Scheme 2023. Collection method: clinical testing. Allele origin: germline.

Labcorp Genetics (formerly Invitae), Labcorp
Classification: Uncertain significance for Cranioectodermal dysplasia 1. Last evaluated: 2025-08-04. Review status: criteria provided, single submitter. Criteria: Invitae Variant Classification Sherloc (09022015). Collection method: clinical testing. Allele origin: germline.
Comment: This sequence change replaces alanine, which is neutral and non-polar, with threonine, which is neutral and polar, at codon 567 of the IFT122 protein (p.Ala567Thr). This variant is present in population databases (no rsID available, gnomAD 0.0009%). This variant has not been reported in the literature in individuals affected with IFT122-related conditions. Invitae Evidence Modeling of protein sequence and biophysical properties (such as structural, functional, and spatial information, amino acid conservation, physicochemical variation, residue mobility, and thermodynamic stability) indicates that this missense variant is not expected to disrupt IFT122 protein function with a negative predictive value of 80%. In summary, the available evidence is currently insufficient to determine the role of this variant in disease. Therefore, it has been classified as a Variant of Uncertain Significance.

NM_052989.3(IFT122):c.1546G>A (p.Ala516Thr)

Gene: IFT122 (intraflagellar transport 122; plus strand). Cytogenetic location: 3q21.3.
Variant type: single nucleotide variant.
Coding change: c.1546G>A on transcript NM_052989.3 (MANE Select); coding-DNA position 1546, G replaced by A.
Protein change: p.Ala516Thr; replaces alanine 516 with threonine.
Molecular consequence: missense variant.
Genome position (GRCh38, 1-based): chr3:129,481,587, G>A. VCF-style: chr3-129481587-G-A. GRCh37 (hg19) VCF-style: chr3-129200430-G-A.
Other names: c.1522G>A, p.Ala508Thr (NM_001280541.2); c.1096G>A, p.Ala366Thr (NM_001280545.2); c.919G>A, p.Ala307Thr (NM_001280546.2); c.1546G>A, p.Ala516Thr (NM_001410808.1, NM_001410809.1); c.1369G>A, p.Ala457Thr (NM_001410810.1, NM_001410811.1, NM_001410813.1 and 1 more transcripts); c.1213G>A, p.Ala405Thr (NM_001410815.1, NM_001410817.1, NM_001438041.1 and 1 more transcripts); c.1390G>A, p.Ala464Thr (NM_001438637.1, NM_001438638.1, NM_001438639.1 and 1 more transcripts); c.1699G>A, p.Ala567Thr (NM_052985.4); short protein forms A307T, A405T, A464T, A508T, A567T, A366T, A457T, A516T.
Identifiers: ClinVar variation 4621942 (VCV004621942.2).